The following is an entry in ClinVar:

ClinVar aggregate classification (germline): Uncertain significance (1 of 4 stars; one submission).

Conditions:
Carney complex, type 1 (CNC1). Also called: CARNEY COMPLEX, TYPE I; CARNEY MYXOMA-ENDOCRINE COMPLEX. Identifiers: Orphanet 1359, MedGen C2607929, MONDO:0008057, OMIM 160980.

Submission:

Labcorp Genetics (formerly Invitae), Labcorp
Classification: Uncertain significance for Carney complex, type 1. Last evaluated: 2020-07-08. Review status: criteria provided, single submitter. Criteria: Invitae Variant Classification Sherloc (09022015). Collection method: clinical testing. Allele origin: germline.
Comment: In summary, the available evidence is currently insufficient to determine the role of this variant in disease. Therefore, it has been classified as a Variant of Uncertain Significance. This sequence change falls in intron 6 of the PRKAR1A gene. It does not directly change the encoded amino acid sequence of the PRKAR1A protein. The frequency data for this variant in the population databases is not available, as this variant may be reported as separate entries in the ExAC database. This variant has not been reported in the literature in individuals with PRKAR1A-related conditions. Algorithms developed to predict the effect of sequence changes on RNA splicing suggest that this variant may disrupt the consensus splice site, but this prediction has not been confirmed by published transcriptional studies.

NM_002734.5(PRKAR1A):c.550-5delinsCTA

Gene: PRKAR1A (protein kinase cAMP-dependent type I regulatory subunit alpha; plus strand). Cytogenetic location: 17q24.2.
Variant type: Indel.
Coding change: c.550-5delinsCTA on transcript NM_002734.5 (MANE Select); 5 bases into the intron before coding-DNA position 550, T replaced by CTA.
Molecular consequence: intron variant.
Genome position (GRCh38, 1-based): chr17:68,525,749, T replaced by CTA. VCF-style: chr17-68525749-T-CTA. GRCh37 (hg19) VCF-style: chr17-66521890-T-CTA.
Other names: c.550-5delinsCTA (NM_001369390.1, NM_001276290.1, NM_001278433.2 and 4 more transcripts).
Identifiers: ClinVar variation 4775718 (VCV004775718.1).